The following is an entry in ClinVar:

NM_001127222.2(CACNA1A):c.2992G>C (p.Gly998Arg)

Gene: CACNA1A (calcium voltage-gated channel subunit alpha1 A; minus strand). Cytogenetic location: 19p13.13.
Variant type: single nucleotide variant.
Coding change: c.2992G>C on transcript NM_001127222.2 (MANE Select); coding-DNA position 2992, G replaced by C.
Protein change: p.Gly998Arg; replaces glycine 998 with arginine.
Molecular consequence: missense variant.
Genome position (GRCh38, 1-based): chr19:13,298,641, C>G on the plus strand (G>C on the coding strand, the complement: CACNA1A is on the minus strand). VCF-style: chr19-13298641-C-G. GRCh37 (hg19) VCF-style: chr19-13409455-C-G.
Other names: c.3004G>C, p.Gly1002Arg (NM_000068.4, NM_023035.3); c.2995G>C, p.Gly999Arg (NM_001127221.2, NM_001174080.2); short protein forms G1002R, G998R, G999R.
Identifiers: ClinVar variation 3905261 (VCV003905261.10).
Genomic context (GRCh38, chr19:13,298,641, plus strand): 5'-GCGCGTCCCCCTCGTACGTGGCTGGAGCGCCATGCCGGTGCCTTCTCCTGCGCTCGCCCC[C>G]GTCGGGGCCCTCGCCCTCGCCCTCGCCGCCCCGGGCCGGCCGGCTGCCCTCGCGGTGCCG-3'
Protein context (NP_001120694.1, residues 988-1008): GGEGEGEGPD[Gly998Arg]GERRRRHRHG

ClinVar aggregate classification (germline): Uncertain significance (1 of 4 stars; one submission).

gnomAD v4.1: 1 of 1,520,620 alleles (0.000066%); highest among the groups gnomAD compares: Non-Finnish European, 0.000088%; no homozygotes.

Submission:

CeGaT Center for Human Genetics Tuebingen
Classification: Uncertain significance. Last evaluated: 2025-06-01. Review status: criteria provided, single submitter. Criteria: CeGaT Center For Human Genetics Tuebingen Variant Classification Criteria Version 2. Collection method: clinical testing. Allele origin: germline. Affected: yes. Observed: 1 variant allele.
Comment: CACNA1A: PM2, PP3